The following is an entry in ClinVar:

NM_015378.4(VPS13D):c.6185G>A (p.Gly2062Asp)

Gene: VPS13D (vacuolar protein sorting 13 homolog D; plus strand). Cytogenetic location: 1p36.22.
Variant type: single nucleotide variant.
Coding change: c.6185G>A on transcript NM_015378.4 (MANE Select); coding-DNA position 6185, G replaced by A.
Protein change: p.Gly2062Asp; replaces glycine 2062 with aspartic acid.
Molecular consequence: missense variant.
Genome position (GRCh38, 1-based): chr1:12,299,353, G>A. VCF-style: chr1-12299353-G-A. GRCh37 (hg19) VCF-style: chr1-12359410-G-A.
Other names: c.6185G>A, p.Gly2062Asp (NM_018156.4); short protein forms G2062D.
Identifiers: ClinVar variation 2088716 (VCV002088716.5), dbSNP rs767640506, ClinGen allele CA602525.

ClinVar aggregate classification (germline): Uncertain significance. Review status: criteria provided, multiple submitters, no conflicts (2 of 4 stars). 2 submissions from 2 submitters: Uncertain significance (2). Last evaluated 2024-04-18.

Allele frequency attached by ClinVar (database versions not stated): gnomAD exomes 0.00001; ExAC 0.00002.
gnomAD v4.1: 13 of 1,613,274 alleles (0.00081%); highest among the groups gnomAD compares: South Asian, 0.014%; no homozygotes.

Submissions (2):

Blueprint Genetics
Classification: Uncertain significance. Last evaluated: 2024-04-18. Review status: criteria provided, single submitter. Criteria: ACMG Guidelines, 2015. Collection method: clinical testing. Allele origin: germline.

Labcorp Genetics (formerly Invitae), Labcorp
Classification: Uncertain significance. Last evaluated: 2022-02-02. Review status: criteria provided, single submitter. Criteria: Invitae Variant Classification Sherloc (09022015). Collection method: clinical testing. Allele origin: germline.
Comment: This variant has not been reported in the literature in individuals affected with VPS13D-related conditions. In summary, the available evidence is currently insufficient to determine the role of this variant in disease. Therefore, it has been classified as a Variant of Uncertain Significance. Algorithms developed to predict the effect of missense changes on protein structure and function are either unavailable or do not agree on the potential impact of this missense change (SIFT: "Not Available"; PolyPhen-2: "Probably Damaging"; Align-GVGD: "Not Available"). This variant is present in population databases (rs767640506, gnomAD 0.007%). This sequence change replaces glycine, which is neutral and non-polar, with aspartic acid, which is acidic and polar, at codon 2062 of the VPS13D protein (p.Gly2062Asp).